The following is an entry in ClinVar:

ClinVar aggregate classification (germline): Uncertain significance. Review status: criteria provided, multiple submitters, no conflicts (2 of 4 stars). 2 submissions from 2 submitters: Uncertain significance (2). Last evaluated 2025-10-24.

Conditions:
LIPE-related familial partial lipodystrophy. Also called: LIPODYSTROPHY, FAMILIAL PARTIAL, ASSOCIATED WITH LIPE MUTATIONS; Familial partial lipodystrophy 6. Identifiers: Orphanet 435660, MedGen C4014869, MONDO:0014431, OMIM 615980.

Allele frequency attached by ClinVar (database versions not stated): gnomAD 0.00001; ExAC 0.00004; ESP Exome Variant Server 0.00008; TOPMed 0.00002; gnomAD exomes 0.00001 and 0.00003.
gnomAD v4.1: 22 of 1,578,286 alleles (0.0014%); highest among the groups gnomAD compares: South Asian, 0.017%; 1 homozygote.

Submissions (2):

Mayo Clinic Laboratories, Mayo Clinic
Classification: Uncertain significance. Last evaluated: 2025-10-24. Review status: criteria provided, single submitter. Criteria: ACMG Guidelines, 2015. Collection method: clinical testing. Allele origin: germline. Observed: 1 variant allele.
Comment: BP4_moderate

Baylor Genetics
Classification: Uncertain significance for LIPE-related familial partial lipodystrophy. Last evaluated: 2019-08-27. Review status: criteria provided, single submitter. Criteria: ACMG Guidelines, 2015. Collection method: clinical testing. Allele origin: maternal. Affected: yes. Study: CSER-TexasKidsCanSeq.
Comment: This variant was determined to be of uncertain significance according to ACMG Guidelines, 2015 [PMID:25741868].

Literature cited by the submitters: PubMed 36325899 (cited by Mayo Clinic Laboratories, Mayo Clinic).

NM_005357.4(LIPE):c.913C>T (p.Arg305Cys)

Genes: LIPE (lipase E, hormone sensitive type; minus strand), LIPE-AS1 (LIPE antisense RNA 1; plus strand). Cytogenetic location: 19q13.2.
Variant type: single nucleotide variant.
Coding change: c.913C>T on transcript NM_005357.4 (MANE Select); coding-DNA position 913, C replaced by T.
Protein change: p.Arg305Cys; replaces arginine 305 with cysteine.
Molecular consequence: missense variant.
Genome position (GRCh38, 1-based): chr19:42,410,813, G>A on the plus strand (C>T on the coding strand, the complement: LIPE is on the minus strand). VCF-style: chr19-42410813-G-A. GRCh37 (hg19) VCF-style: chr19-42914965-G-A.
Other names: p.Arg305Cys; short protein forms R305C.
Identifiers: ClinVar variation 998371 (VCV000998371.2), dbSNP rs373430897, ClinGen allele CA9477189.
Genomic context (GRCh38, chr19:42,410,813, plus strand): 5'-GGCTCGAGAAGAAGGCTATGTTGTCCTCCGCCAGAGTCACCAGCGACTGTGTCATTGTGC[G>A]CAGGTCCATGTTGTGGATGAGCCTTGAGGCTGTGGGCAGGTGGGGAGGCCTGTTAGGTGG-3'
Protein context (NP_005348.2, residues 295-315): ASRLIHNMDL[Arg305Cys]TMTQSLVTLA